The following is an entry in ClinVar:

NM_006579.3(EBP):c.512G>A (p.Arg171His)

Gene: EBP (EBP cholestenol delta-isomerase; plus strand). Cytogenetic location: Xp11.23.
Variant type: single nucleotide variant.
Coding change: c.512G>A on transcript NM_006579.3 (MANE Select); coding-DNA position 512, G replaced by A.
Protein change: p.Arg171His; replaces arginine 171 with histidine.
Molecular consequence: missense variant.
Genome position (GRCh38, 1-based): chrX:48,528,276, G>A. VCF-style: chrX-48528276-G-A. GRCh37 (hg19) VCF-style: chrX-48386664-G-A.
Other names: short protein forms R171H.
Identifiers: ClinVar variation 618614 (VCV000618614.43), dbSNP rs144209735, ClinGen allele CA10403050.

ClinVar aggregate classification (germline): Benign/Likely benign. Review status: criteria provided, multiple submitters, no conflicts (2 of 4 stars). 6 submissions from 6 submitters: Benign (1); Likely benign (4). 1 of the submissions does not count toward it. Last evaluated 2025-12-21.

Conditions:
Inborn genetic diseases. Identifiers: MedGen C0950123, MeSH D030342.
EBP-related disorder. Also called: EBP-related condition.

Allele frequency attached by ClinVar (database versions not stated): 1000 Genomes Project 30x 0.00062; gnomAD exomes 0.00005 and 0.00015; ExAC 0.00021; gnomAD 0.00050 and 0.00054; 1000 Genomes Project 0.00053; ESP Exome Variant Server 0.00057; TOPMed 0.00057.
gnomAD v4.1: 116 of 1,209,898 alleles (0.0096%); highest among the groups gnomAD compares: African/African-American, 0.16%; no homozygotes.

Submissions (6):

Labcorp Genetics (formerly Invitae), Labcorp
Classification: Likely benign. Last evaluated: 2025-12-21. Review status: criteria provided, single submitter. Criteria: Invitae Variant Classification Sherloc (09022015). Collection method: clinical testing. Allele origin: germline.

ARUP Laboratories, Molecular Genetics and Genomics, ARUP Laboratories
Classification: Likely benign. Last evaluated: 2023-11-22. Review status: criteria provided, single submitter. Criteria: ARUP Molecular Germline Variant Investigation Process 2024. Collection method: clinical testing. Allele origin: germline.

CeGaT Center for Human Genetics Tuebingen
Classification: Likely benign. Last evaluated: 2023-04-01. Review status: criteria provided, single submitter. Criteria: CeGaT Center For Human Genetics Tuebingen Variant Classification Criteria Version 2. Collection method: clinical testing. Allele origin: germline. Affected: yes. Observed: 1 variant allele.
Comment: EBP: BS2

Ambry Genetics
Classification: Likely benign for Inborn genetic diseases. Last evaluated: 2022-03-23. Review status: criteria provided, single submitter. Criteria: Ambry Variant Classification Scheme 2023. Collection method: clinical testing. Allele origin: germline.

GeneDx
Classification: Benign. Last evaluated: 2021-03-11. Review status: criteria provided, single submitter. Criteria: GeneDx Variant Classification Process June 2021. Collection method: clinical testing. Allele origin: germline. Affected: yes.

PreventionGenetics, part of Exact Sciences
Classification: Likely benign for EBP-related condition. Last evaluated: 2022-01-03. Review status: no assertion criteria provided. Collection method: clinical testing. Allele origin: germline. Not counted in ClinVar's aggregate classification.
Comment: This variant is classified as likely benign based on ACMG/AMP sequence variant interpretation guidelines (Richards et al. 2015 PMID: 25741868, with internal and published modifications).